The following is an entry in ClinVar:

ClinVar aggregate classification (germline): Uncertain significance (1 of 4 stars; one submission).

Allele frequency attached by ClinVar (database versions not stated): gnomAD exomes 0.00001; ExAC 0.00002; ESP Exome Variant Server 0.00008.
gnomAD v4.1: 9 of 1,614,186 alleles (0.00056%); highest among the groups gnomAD compares: South Asian, 0.0044%; no homozygotes.

Submission:

Labcorp Genetics (formerly Invitae), Labcorp
Classification: Uncertain significance. Last evaluated: 2023-01-09. Review status: criteria provided, single submitter. Criteria: Invitae Variant Classification Sherloc (09022015). Collection method: clinical testing. Allele origin: germline.
Comment: In summary, the available evidence is currently insufficient to determine the role of this variant in disease. Therefore, it has been classified as a Variant of Uncertain Significance. Advanced modeling of protein sequence and biophysical properties (such as structural, functional, and spatial information, amino acid conservation, physicochemical variation, residue mobility, and thermodynamic stability) performed at Invitae indicates that this missense variant is not expected to disrupt MMP14 protein function. This variant has not been reported in the literature in individuals affected with MMP14-related conditions. This variant is present in population databases (rs139231227, gnomAD 0.007%). This sequence change replaces serine, which is neutral and polar, with leucine, which is neutral and non-polar, at codon 62 of the MMP14 protein (p.Ser62Leu).

NM_004995.4(MMP14):c.185C>T (p.Ser62Leu)

Gene: MMP14 (matrix metallopeptidase 14; plus strand). Cytogenetic location: 14q11.2.
Variant type: single nucleotide variant.
Coding change: c.185C>T on transcript NM_004995.4 (MANE Select); coding-DNA position 185, C replaced by T.
Protein change: p.Ser62Leu; replaces serine 62 with leucine.
Molecular consequence: missense variant.
Genome position (GRCh38, 1-based): chr14:22,841,567, C>T. VCF-style: chr14-22841567-C-T. GRCh37 (hg19) VCF-style: chr14-23310776-C-T.
Other names: short protein forms S62L.
Identifiers: ClinVar variation 2781736 (VCV002781736.3), dbSNP rs139231227, ClinGen allele CA7105100.